The following is an entry in ClinVar:

ClinVar aggregate classification (germline): Likely benign (1 of 4 stars; one submission).

Conditions:
SCYL1-related disorder. Also called: SCYL1-related condition.

Submission:

PreventionGenetics, part of Exact Sciences
Classification: Likely benign for SCYL1-related condition. Last evaluated: 2026-03-26. Review status: criteria provided, single submitter. Criteria: ACMG Guidelines, 2015. Collection method: clinical testing. Allele origin: germline.
Comment: This variant is classified as likely benign based on ACMG/AMP sequence variant interpretation guidelines (Richards et al. 2015 PMID: 25741868, with internal and published modifications).

NM_020680.4(SCYL1):c.2115C>T (p.Gly705=)

Gene: SCYL1 (SCY1 like pseudokinase 1; plus strand). Cytogenetic location: 11q13.1.
Variant type: single nucleotide variant.
Coding change: c.2115C>T on transcript NM_020680.4 (MANE Select); coding-DNA position 2115, C replaced by T.
Protein change: p.Gly705=; no amino-acid change (glycine 705 retained).
Molecular consequence: synonymous variant. On other transcripts: missense variant (3), intron variant (2).
Genome position (GRCh38, 1-based): chr11:65,538,050, C>T. VCF-style: chr11-65538050-C-T. GRCh37 (hg19) VCF-style: chr11-65305521-C-T.
Other names: c.2064C>T, p.Gly688= (NM_001048218.2, NM_001425194.1, NM_001425198.1); c.2112C>T, p.Gly704= (NM_001411022.1, NM_001425179.1, NM_001425180.1 and 3 more transcripts); c.2109C>T, p.Gly703= (NM_001425182.1); c.2061C>T, p.Gly687= (NM_001425183.1, NM_001425184.1, NM_001425195.1); c.2078C>T, p.Ala693Val (NM_001425185.1); c.2075C>T, p.Ala692Val (NM_001425186.1); c.2037C>T, p.Gly679= (NM_001425187.1); c.2115C>T, p.Gly705= (NM_001425188.1, NM_001425196.1); and 15 more; short protein forms A676V, A692V, A693V.
Identifiers: ClinVar variation 4980372 (VCV004980372.1).
Genomic context (GRCh38, chr11:65,538,050, plus strand): 5'-CTCCAAATCCCCAGAGTCCGACTGGAGCAGCTGGGAAGCTGAGGGCTCCTGGGAACAGGG[C>T]TGGCAGGAGCCAAGCTCCCAGGAGCCACCTCCTGACGGTACACGGCTGGCCAGCGAGTAT-3'
Protein context (NP_065731.3, residues 695-715): SWEAEGSWEQ[Gly705=]WQEPSSQEPP